The following is an entry in ClinVar:

NM_006005.3(WFS1):c.2388C>T (p.Asp796=)

Gene: WFS1 (wolframin ER transmembrane glycoprotein; plus strand). Cytogenetic location: 4p16.1.
Variant type: single nucleotide variant.
Coding change: c.2388C>T on transcript NM_006005.3 (MANE Select); coding-DNA position 2388, C replaced by T.
Protein change: p.Asp796=; no amino-acid change (aspartic acid 796 retained).
Molecular consequence: synonymous variant.
Genome position (GRCh38, 1-based): chr4:6,302,183, C>T. VCF-style: chr4-6302183-C-T. GRCh37 (hg19) VCF-style: chr4-6303910-C-T.
Other names: c.2388C>T, p.Asp796= (NM_001145853.1).
Identifiers: ClinVar variation 721657 (VCV000721657.13), dbSNP rs71532868, ClinGen allele CA2839717.

ClinVar aggregate classification (germline): Likely benign. Review status: criteria provided, multiple submitters, no conflicts (2 of 4 stars). 5 submissions from 5 submitters: Likely benign (5). Last evaluated 2026-08-06.

Conditions:
Wolfram-like syndrome. Also called: HEARING LOSS, PROGRESSIVE, WITH OPTIC ATROPHY AND/OR IMPAIRED GLUCOSE REGULATION. Identifiers: Orphanet 411590, MedGen C3280358, MONDO:0013673, OMIM 614296.
Wolfram syndrome 1 (WFS1). Identifiers: Orphanet 3463, MedGen C4551693, MONDO:0009101, OMIM 222300.
Autosomal dominant nonsyndromic hearing loss 6 (LFSNHL). Also called: Autosomal dominant nonsyndromic deafness 6; DEAFNESS, AUTOSOMAL DOMINANT 6; DEAFNESS, AUTOSOMAL DOMINANT 14; DEAFNESS, AUTOSOMAL DOMINANT 38. Identifiers: Orphanet 90635, MedGen C1833021, MONDO:0010963, OMIM 600965.
Type 2 diabetes mellitus. Also called: Type II diabetes mellitus. Identifiers: MedGen C0011860, MeSH D003924, MONDO:0005148, OMIM 125853, HP:0005978.
Cataract 41 (CTRCT41). Also called: CATARACT 41, CONGENITAL NUCLEAR TYPE. Identifiers: Orphanet 91492, Orphanet 98991, Orphanet 98992, Orphanet 98995, MedGen C3805412, MONDO:0007287, OMIM 116400.
WFS1-related disorder. Identifiers: MedGen CN379391, MONDO:0700293.

Allele frequency attached by ClinVar (database versions not stated): gnomAD 0.00001 and 0.00002; ExAC 0.00003; TOPMed 0.00004.
gnomAD v4.1: 28 of 1,612,350 alleles (0.0017%); highest among the groups gnomAD compares: Middle Eastern, 0.016%; no homozygotes.

Submissions (5):

PreventionGenetics, part of Exact Sciences
Classification: Likely benign for WFS1-related condition. Last evaluated: 2026-08-06. Review status: criteria provided, single submitter. Criteria: ACMG Guidelines, 2015. Collection method: clinical testing. Allele origin: germline.
Comment: This variant is classified as likely benign based on ACMG/AMP sequence variant interpretation guidelines (Richards et al. 2015 PMID: 25741868, with internal and published modifications).

Labcorp Genetics (formerly Invitae), Labcorp
Classification: Likely benign. Last evaluated: 2024-12-19. Review status: criteria provided, single submitter. Criteria: Invitae Variant Classification Sherloc (09022015). Collection method: clinical testing. Allele origin: germline.

Blueprint Genetics
Classification: Likely benign. Last evaluated: 2024-10-15. Review status: criteria provided, single submitter. Criteria: ACMG Guidelines, 2015. Collection method: clinical testing. Allele origin: germline.

Fulgent Genetics
Classification: Likely benign for Cataract 41; Type 2 diabetes mellitus; Wolfram syndrome 1; Autosomal dominant nonsyndromic hearing loss 6; Wolfram-like syndrome. Last evaluated: 2022-02-17. Review status: criteria provided, single submitter. Criteria: ACMG Guidelines, 2015. Collection method: clinical testing. Allele origin: unknown.

Clinical Genomics, Uppaluri K&H Personalized Medicine Clinic
Classification: Likely benign for Wolfram syndrome 1. Review status: criteria provided, single submitter. Criteria: K & H Uppaluri Personalized Medicine Clinic Variant Classification & Assertion Criteria_Updated V.1. Collection method: research. Allele origin: unknown. Inheritance: Autosomal recessive inheritance.
Comment: Potent mutations in WFS1 gene are associated with Wolfram's syndrome, an autosomal recessive condition, which cause diabetes mellitus, diabetes insipidus, deafness and optic atrophy. However no sufficient evidence is found to ascertain the role of this particular variant rs71532868 in Wolfram's syndrome yet.

Literature cited by the submitters: PubMed 20738327 (cited by Clinical Genomics, Uppaluri K&H Personalized Medicine Clinic); PubMed 33879153 (cited by Clinical Genomics, Uppaluri K&H Personalized Medicine Clinic); PubMed 12955714 (cited by Clinical Genomics, Uppaluri K&H Personalized Medicine Clinic); PubMed 18060660 (cited by Clinical Genomics, Uppaluri K&H Personalized Medicine Clinic); PubMed 20301750 (cited by Clinical Genomics, Uppaluri K&H Personalized Medicine Clinic); PubMed 17603484 (cited by Clinical Genomics, Uppaluri K&H Personalized Medicine Clinic).